The following is an entry in ClinVar:

NM_014845.6(FIG4):c.2554A>G (p.Ile852Val)

Gene: FIG4 (FIG4 phosphoinositide 5-phosphatase; plus strand). Cytogenetic location: 6q21.
Variant type: single nucleotide variant.
Coding change: c.2554A>G on transcript NM_014845.6 (MANE Select); coding-DNA position 2554, A replaced by G.
Protein change: p.Ile852Val; replaces isoleucine 852 with valine.
Molecular consequence: missense variant.
Genome position (GRCh38, 1-based): chr6:109,825,095, A>G. VCF-style: chr6-109825095-A-G. GRCh37 (hg19) VCF-style: chr6-110146298-A-G.
Other names: short protein forms I852V.
Identifiers: ClinVar variation 3850375 (VCV003850375.1).
Genomic context (GRCh38, chr6:109,825,095, plus strand): 5'-GTCCTTCCTTATATTTTCTTTAATGCAGCCCTCTCTTTATTCATCTTTTATAGAACACCC[A>G]TCTCGGCTTTCTCGCAAGATAACATCTATGAAGTTCAGCCCCCAAGAGTAGACAGAAAAT-3'
Protein context (NP_055660.1, residues 842-862): CSDGVIKLTP[Ile852Val]SAFSQDNIYE

ClinVar aggregate classification (germline): Uncertain significance (1 of 4 stars; one submission).

Conditions:
Inborn genetic diseases. Identifiers: MedGen C0950123, MeSH D030342.

gnomAD v4.1: 2 of 1,613,512 alleles (0.00012%); highest among the groups gnomAD compares: Non-Finnish European, 0.00017%; no homozygotes.

Submission:

Ambry Genetics
Classification: Uncertain significance for Inborn genetic diseases. Last evaluated: 2025-01-06. Review status: criteria provided, single submitter. Criteria: Ambry Variant Classification Scheme 2023. Collection method: clinical testing. Allele origin: germline.
Comment: The p.I852V variant (also known as c.2554A>G), located in coding exon 23 of the FIG4 gene, results from an A to G substitution at nucleotide position 2554. The isoleucine at codon 852 is replaced by valine, an amino acid with highly similar properties. This amino acid position is conserved. In addition, this alteration is predicted to be tolerated by in silico analysis. Based on the available evidence, the clinical significance of this variant remains unclear.